The following is an entry in ClinVar:

ClinVar aggregate classification (germline): Pathogenic (1 of 4 stars; one submission).

Submission:

Clinical Genomics Laboratory, Laboratory for Precision Diagnostics, University of Washington
Classification: Pathogenic. Last evaluated: 2025-03-04. Review status: criteria provided, single submitter. Criteria: ACMG/ClinGen CNV Guidelines, 2019. Collection method: clinical testing. Allele origin: maternal. Affected: yes. Observed: 1 variant allele.
Comment: This interstitial deletion is approximately 7.1 Mb in size and contains 19 protein-coding genes. The chromosome 18 gene dosage map 2.0 (PMID: 24092497 and an online resource) is based on a compilation of genomic characterization and extensive clinical evaluation of over 650 people with deletions of chromosome 18. This data suggests that three genes encompassed in this deletion have health implications, with a penetrance of at least 50%, when there is loss of function of one copy: NETO1, CYB5A, and TSHZ1. The evidence for NETO1 and CYB5A comes primarily from mouse models, expression, and gene function data. There are 104 individuals with a deletion of TSHZ1 in the cohort, and 81 (78%) had at least one ear with aural atresia. This finding appears to improve over time (PMID: 24912803). There is evidence that TSHZ1 is also the causal gene for the congenital foot anomalies often seen in people with deletion of this region (PMID: 23495172, PMID: 35487415). The chromosome 18 phenotype map (no causal gene yet identified) for the region deleted in this family includes male infertility, atopic disorders (atopic dermatitis, allergic asthma, rhinitis, conjunctivitis - incomplete penetrance), mood disorders (depression, bipolar disorder), and facial clefting, including soft palate abnormalities. A patient in DECIPHER with a similar de novo deletion (249926) is reported to have anteverted nares, epicanthal folds, and rocker bottom foot (congenital vertical talus). PMID: 27766118 described an infant with growth restriction, bilateral vertical talus, aural atresia, global hypotonia with motor delays, prominent forehead, and low-set ears. The child was found to have a 2.5 Mb deletion of chromosome 18q22.3q23 overlapping the one in this family (chr18:75,175,387-77,706,311). PMID: 35487415 detected a 4 Mb deletion of 18q22.3q23 that overlaps with this one (GRCh38 chr18:74343518-79126375) in a person with bilateral congenital vertical talus and speech and motor delay.

Literature cited by the submitters: PubMed 24092497; PubMed 30448861; PubMed 23495172; PubMed 24912803; PubMed 27766118; PubMed 35487415.

GRCh38/hg38 18q22.1-23(chr18:68445082-75547555)x1

Genes: C18orf63 (chromosome 18 open reading frame 63; plus strand), CBLN2 (cerebellin 2 precursor; minus strand), CCDC102B (coiled-coil domain containing 102B; plus strand), CD226 (CD226 molecule; minus strand), CNDP1 (carnosine dipeptidase 1; plus strand) and 124 more. Cytogenetic location: 18q22.1-23.
Variant type: copy number loss.
Change: copy number 1 (one copy instead of two) of chr18:68,445,082-75,547,555 (7.10 Mb, GRCh38 coordinates, 1-based), cytogenetic band 18q22.1-23.
Identifiers: ClinVar variation 5038279 (VCV005038279.1).